The following is an entry in ClinVar:

ClinVar aggregate classification (germline): Uncertain significance (1 of 4 stars; one submission).

Conditions:
TTN-related disorder. Also called: TTN-related disorders; TTN-related condition; TTN-related disease.

gnomAD v4.1: 8 of 1,611,746 alleles (0.0005%); highest among the groups gnomAD compares: Non-Finnish European, 0.00068%; no homozygotes.

Submission:

PreventionGenetics, part of Exact Sciences
Classification: Uncertain significance for TTN-related condition. Last evaluated: 2025-11-15. Review status: criteria provided, single submitter. Criteria: ACMG Guidelines, 2015. Collection method: clinical testing. Allele origin: germline.
Comment: The TTN c.69428C>T variant is predicted to result in the amino acid substitution p.Pro23143Leu. To our knowledge, this variant has not been reported in the literature. This variant is reported in 0.0018% of alleles in individuals of European (Non-Finnish) descent in gnomAD. At this time, the clinical significance of this variant is uncertain due to the absence of conclusive functional and genetic evidence.

NM_001267550.2(TTN):c.69428C>T (p.Pro23143Leu)

Genes: TTN (titin; minus strand), TTN-AS1 (TTN antisense RNA 1; plus strand). Cytogenetic location: 2q31.2.
Variant type: single nucleotide variant.
Coding change: c.69428C>T on transcript NM_001267550.2 (MANE Select); coding-DNA position 69428, C replaced by T.
Protein change: p.Pro23143Leu; replaces proline 23143 with leucine.
Molecular consequence: missense variant.
Genome position (GRCh38, 1-based): chr2:178,576,816, G>A on the plus strand (C>T on the coding strand, the complement: TTN is on the minus strand). VCF-style: chr2-178576816-G-A. GRCh37 (hg19) VCF-style: chr2-179441543-G-A.
Other names: c.64505C>T, p.Pro21502Leu (NM_001256850.1); c.42233C>T, p.Pro14078Leu (NM_003319.4); c.61724C>T, p.Pro20575Leu (NM_133378.4); c.42608C>T, p.Pro14203Leu (NM_133432.3); c.42809C>T, p.Pro14270Leu (NM_133437.4); short protein forms P14078L, P20575L, P23143L, P14203L, P21502L, P14270L.
Identifiers: ClinVar variation 4992231 (VCV004992231.1).